The following is an entry in ClinVar:

NM_001077350.3(NPRL3):c.629+3A>G

Genes: HBA-LCR (alpha-globin locus control region; plus strand), NPRL3 (NPR3 like, GATOR1 complex subunit; minus strand). Cytogenetic location: 16p13.3.
Variant type: single nucleotide variant.
Coding change: c.629+3A>G on transcript NM_001077350.3 (MANE Select); 3 bases into the intron after coding-DNA position 629, A replaced by G.
Molecular consequence: intron variant.
Genome position (GRCh38, 1-based): chr16:110,522, T>C on the plus strand (A>G on the coding strand, the complement: NPRL3 is on the minus strand). VCF-style: chr16-110522-T-C. GRCh37 (hg19) VCF-style: chr16-160520-T-C.
Other names: c.395+3A>G (NM_001243247.2); c.554+3A>G (NM_001243248.2, NM_001243249.2); c.92+3A>G (NM_001039476.3).
Identifiers: ClinVar variation 2108246 (VCV002108246.4), dbSNP rs2542851816, ClinGen allele CA2580090525.

ClinVar aggregate classification (germline): Uncertain significance (1 of 4 stars; one submission).

Conditions:
Epilepsy, familial focal, with variable foci 3 (FFEVF3). Identifiers: MedGen C4310708, MONDO:0014925, OMIM 617118.

Allele frequency attached by ClinVar (database versions not stated): gnomAD exomes below 0.00001.
gnomAD v4.1: 1 of 1,610,084 alleles (0.000062%); highest among the groups gnomAD compares: South Asian, 0.0011%; no homozygotes.

Submission:

Labcorp Genetics (formerly Invitae), Labcorp
Classification: Uncertain significance for Epilepsy, familial focal, with variable foci 3. Last evaluated: 2022-03-10. Review status: criteria provided, single submitter. Criteria: Invitae Variant Classification Sherloc (09022015). Collection method: clinical testing. Allele origin: germline.
Comment: In summary, the available evidence is currently insufficient to determine the role of this variant in disease. Therefore, it has been classified as a Variant of Uncertain Significance. Variants that disrupt the consensus splice site are a relatively common cause of aberrant splicing (PMID: 17576681, 9536098). Experimental studies and prediction algorithms are not available or were not evaluated, and the effect of this variant on mRNA splicing is currently unknown. This variant has not been reported in the literature in individuals affected with NPRL3-related conditions. This variant is not present in population databases (gnomAD no frequency). This sequence change falls in intron 7 of the NPRL3 gene. It does not directly change the encoded amino acid sequence of the NPRL3 protein. It affects a nucleotide within the consensus splice site.

Literature cited by the submitters: PubMed 17576681; PubMed 9536098.